The following is an entry in ClinVar:

ClinVar aggregate classification (germline): Conflicting classifications of pathogenicity. Review status: criteria provided, conflicting classifications (1 of 4 stars). 3 submissions from 3 submitters: Uncertain significance (1); Likely benign (1). 1 of the submissions does not count toward it. Last evaluated 2025-09-29.

Conditions:
RAB3GAP1-related disorder. Also called: RAB3GAP1-related disorders; RAB3GAP1-related condition.
Warburg micro syndrome 1 (WARBM1). Identifiers: Orphanet 2510, MedGen C1838625, MONDO:0010822, OMIM 600118.

Allele frequency attached by ClinVar (database versions not stated): gnomAD 0.00008; TOPMed 0.00009; gnomAD exomes 0.00010 and 0.00015; ExAC 0.00012.
gnomAD v4.1: 156 of 1,602,506 alleles (0.0097%); highest among the groups gnomAD compares: Middle Eastern, 0.017%; 1 homozygote.

Submissions (3):

Labcorp Genetics (formerly Invitae), Labcorp
Classification: Likely benign. Last evaluated: 2025-09-29. Review status: criteria provided, single submitter. Criteria: Invitae Variant Classification Sherloc (09022015). Collection method: clinical testing. Allele origin: germline.

Illumina Laboratory Services, Illumina
Classification: Uncertain significance for Warburg micro syndrome 1. Last evaluated: 2018-01-13. Review status: criteria provided, single submitter. Criteria: ICSL Variant Classification Criteria 13 December 2019. Collection method: clinical testing. Allele origin: germline.

PreventionGenetics, part of Exact Sciences
Classification: Likely benign for RAB3GAP1-related condition. Last evaluated: 2022-05-13. Review status: no assertion criteria provided. Collection method: clinical testing. Allele origin: germline. Not counted in ClinVar's aggregate classification.
Comment: This variant is classified as likely benign based on ACMG/AMP sequence variant interpretation guidelines (Richards et al. 2015 PMID: 25741868, with internal and published modifications).

NM_012233.3(RAB3GAP1):c.239T>C (p.Val80Ala)

Gene: RAB3GAP1 (RAB3 GTPase activating protein catalytic subunit 1; plus strand). Cytogenetic location: 2q21.3.
Variant type: single nucleotide variant.
Coding change: c.239T>C on transcript NM_012233.3 (MANE Select); coding-DNA position 239, T replaced by C.
Protein change: p.Val80Ala; replaces valine 80 with alanine.
Molecular consequence: missense variant.
Genome position (GRCh38, 1-based): chr2:135,091,086, T>C. VCF-style: chr2-135091086-T-C. GRCh37 (hg19) VCF-style: chr2-135848656-T-C.
Other names: c.239T>C, p.Val80Ala (NM_001172435.2); short protein forms V80A.
Identifiers: ClinVar variation 331118 (VCV000331118.11), dbSNP rs767842373, ClinGen allele CA1884467.